The following is an entry in ClinVar:

NM_001563.4(IMPG1):c.1358C>T (p.Ala453Val)

Gene: IMPG1 (interphotoreceptor matrix proteoglycan 1; minus strand). Cytogenetic location: 6q14.1.
Variant type: single nucleotide variant.
Coding change: c.1358C>T on transcript NM_001563.4 (MANE Select); coding-DNA position 1358, C replaced by T.
Protein change: p.Ala453Val; replaces alanine 453 with valine.
Molecular consequence: missense variant.
Genome position (GRCh38, 1-based): chr6:75,951,028, G>A on the plus strand (C>T on the coding strand, the complement: IMPG1 is on the minus strand). VCF-style: chr6-75951028-G-A. GRCh37 (hg19) VCF-style: chr6-76660745-G-A.
Other names: c.1358C>T (NM_001563.2, NM_001563.3); c.1124C>T, p.Ala375Val (NM_001282368.2); short protein forms A375V, A453V.
Identifiers: ClinVar variation 2051975 (VCV002051975.6), dbSNP rs777324890, ClinGen allele CA3898129.

ClinVar aggregate classification (germline): Uncertain significance. Review status: criteria provided, multiple submitters, no conflicts (2 of 4 stars). 3 submissions from 3 submitters: Uncertain significance (3). Last evaluated 2025-04-02.

Allele frequency attached by ClinVar (database versions not stated): ExAC 0.00001; gnomAD 0.00001; gnomAD exomes 0.00001; TOPMed 0.00001.
gnomAD v4.1: 15 of 1,613,624 alleles (0.00093%); highest among the groups gnomAD compares: Non-Finnish European, 0.0013%; no homozygotes.

Submissions (3):

Ambry Genetics
Classification: Uncertain significance. Last evaluated: 2025-04-02. Review status: criteria provided, single submitter. Criteria: Ambry Variant Classification Scheme 2023. Collection method: clinical testing. Allele origin: germline.

GeneDx
Classification: Uncertain significance. Last evaluated: 2022-09-12. Review status: criteria provided, single submitter. Criteria: GeneDx Variant Classification Process June 2021. Collection method: clinical testing. Allele origin: germline. Affected: yes.
Comment: Not observed at significant frequency in large population cohorts (gnomAD); In silico analysis supports that this missense variant does not alter protein structure/function; Has not been previously published as pathogenic or benign to our knowledge

Labcorp Genetics (formerly Invitae), Labcorp
Classification: Uncertain significance. Last evaluated: 2022-04-17. Review status: criteria provided, single submitter. Criteria: Invitae Variant Classification Sherloc (09022015). Collection method: clinical testing. Allele origin: germline.
Comment: Algorithms developed to predict the effect of missense changes on protein structure and function (SIFT, PolyPhen-2, Align-GVGD) all suggest that this variant is likely to be tolerated. This sequence change replaces alanine, which is neutral and non-polar, with valine, which is neutral and non-polar, at codon 453 of the IMPG1 protein (p.Ala453Val). This variant is present in population databases (rs777324890, gnomAD 0.002%). This variant has not been reported in the literature in individuals affected with IMPG1-related conditions. In summary, the available evidence is currently insufficient to determine the role of this variant in disease. Therefore, it has been classified as a Variant of Uncertain Significance.